The following is an entry in ClinVar:

NM_024690.2(MUC16):c.39486C>T (p.Thr13162=)

Gene: MUC16 (mucin 16, cell surface associated; minus strand). Cytogenetic location: 19p13.2.
Variant type: single nucleotide variant.
Coding change: c.39486C>T on transcript NM_024690.2; coding-DNA position 39486, C replaced by T.
Protein change: p.Thr13162=; no amino-acid change (threonine 13162 retained).
Molecular consequence: synonymous variant.
Genome position (GRCh38, 1-based): chr19:8,896,086, G>A on the plus strand (C>T on the coding strand, the complement: MUC16 is on the minus strand). VCF-style: chr19-8896086-G-A. GRCh37 (hg19) VCF-style: chr19-9006762-G-A.
Identifiers: ClinVar variation 3034081 (VCV003034081.2), dbSNP rs537132833, ClinGen allele CA9163993.
Genomic context (GRCh38, chr19:8,896,086, plus strand): 5'-CTCCTCATACTGTAGGTTAGTGATGGTGAAGTTGAGTGTGAATGGCACCAGGAGAGGGCC[G>A]GTGGCTATAGTGAAGGTGGGAAATAAACACTATGTTCAAAAGTAGAGAAAATTTAAGAGT-3'

ClinVar aggregate classification (germline): Likely benign (0 of 4 stars; one submission).

Conditions:
MUC16-related disorder. Also called: MUC16-related condition.

Allele frequency attached by ClinVar (database versions not stated): ExAC 0.00002.

Submission:

PreventionGenetics, part of Exact Sciences
Classification: Likely benign for MUC16-related condition. Last evaluated: 2019-06-14. Review status: no assertion criteria provided. Collection method: clinical testing. Allele origin: germline.
Comment: This variant is classified as likely benign based on ACMG/AMP sequence variant interpretation guidelines (Richards et al. 2015 PMID: 25741868, with internal and published modifications).